The following is an entry in ClinVar:

NM_033380.3(COL4A5):c.2395+1G>A

Gene: COL4A5 (collagen type IV alpha 5 chain; plus strand). Cytogenetic location: Xq22.3.
Variant type: single nucleotide variant.
Coding change: c.2395+1G>A on transcript NM_033380.3 (MANE Select); the canonical splice donor site of the intron after coding-DNA position 2395, G replaced by A.
Molecular consequence: splice donor variant.
Genome position (GRCh38, 1-based): chrX:108,606,893, G>A. VCF-style: chrX-108606893-G-A. GRCh37 (hg19) VCF-style: chrX-107850123-G-A.
Other names: c.2395+1G>A (NM_000495.5).
Identifiers: ClinVar variation 222059 (VCV000222059.25), dbSNP rs869025331, ClinGen allele CA351667.

ClinVar aggregate classification (germline): Pathogenic. Review status: criteria provided, multiple submitters, no conflicts (2 of 4 stars). 4 submissions from 4 submitters: Pathogenic (4). Last evaluated 2026-08-27.

Conditions:
X-linked Alport syndrome (ATS1). Also called: NEPHROPATHY AND DEAFNESS, X-LINKED; COL4A5-Related Nephropathy. Identifiers: Orphanet 63, Orphanet 88917, MedGen C4746986, MONDO:0010520, OMIM 301050.

Submissions (4):

Centre de Génétique Humaine, Institut de Pathologie Et de Génétique
Classification: Pathogenic for X-linked Alport syndrome. Last evaluated: 2026-08-27. Review status: criteria provided, single submitter. Criteria: ACMG Guidelines, 2015. Collection method: clinical testing. Allele origin: germline, maternal. Inheritance: X-linked dominant inheritance. Affected: yes. Observed: 2 variant alleles, 1 heterozygote, 1 hemizygote. Segregation with disease observed.
Comment: Variant located in the canonical donor splice site of intron 29 (PVS1). This variant is rare: absent in gnomAD v4.1.0 database (PM2). Analysis of the transcript (minigene assay) showed a truncanting 151 bp deletion, PMID: 35020912 (PS3). Described as LP/P in ClinVar in patients with X-linked AS, including segregation (PP1,PP5)

CeGaT Center for Human Genetics Tuebingen
Classification: Pathogenic. Last evaluated: 2025-01-01. Review status: criteria provided, single submitter. Criteria: CeGaT Center For Human Genetics Tuebingen Variant Classification Criteria Version 2. Collection method: clinical testing. Allele origin: germline. Affected: yes. Observed: 1 variant allele.
Comment: COL4A5: PVS1, PM2, PS4:Moderate, PS1:Supporting

Labcorp Genetics (formerly Invitae), Labcorp
Classification: Pathogenic. Last evaluated: 2019-12-11. Review status: criteria provided, single submitter. Criteria: Invitae Variant Classification Sherloc (09022015). Collection method: clinical testing. Allele origin: germline.
Comment: For these reasons, this variant has been classified as Pathogenic. Donor and acceptor splice site variants typically lead to a loss of protein function (PMID: 16199547), and loss-of-function variants in COL4A5 are known to be pathogenic (PMID: 9195222, 10752524, 14514738, 24854265, 26809805). Algorithms developed to predict the effect of sequence changes on RNA splicing suggest that this variant may disrupt the consensus splice site, but this prediction has not been confirmed by published transcriptional studies. This variant has been observed in individual(s) with Alport's syndrome (PMID: 26934356). It has also been observed to segregate with disease in related individuals. ClinVar contains an entry for this variant (Variation ID: 222059). This variant is not present in population databases (ExAC no frequency). This sequence change affects a donor splice site in intron 29 of the COL4A5 gene. It is expected to disrupt RNA splicing and likely results in an absent or disrupted protein product.

Genetic Diagnostic Laboratory, University of Szeged
Classification: Pathogenic for X-linked Alport syndrome. Last evaluated: 2016-02-02. Review status: criteria provided, single submitter. Criteria: Genetic Diagnostic Assertion Criteria ver.1 Jan.2016. Collection method: clinical testing. Allele origin: inherited. Affected: yes. Observed: 6 variant alleles, 4 hemizygotes.

Literature cited by the submitters: PubMed 26934356 (cited by Centre de Génétique Humaine, Institut de Pathologie Et de Génétique and Labcorp Genetics (formerly Invitae), Labcorp); PubMed 35020912 (cited by Centre de Génétique Humaine, Institut de Pathologie Et de Génétique); PubMed 37097554 (cited by Centre de Génétique Humaine, Institut de Pathologie Et de Génétique); PubMed 16199547 (cited by Labcorp Genetics (formerly Invitae), Labcorp); PubMed 9195222 (cited by Labcorp Genetics (formerly Invitae), Labcorp); PubMed 10752524 (cited by Labcorp Genetics (formerly Invitae), Labcorp); PubMed 14514738 (cited by Labcorp Genetics (formerly Invitae), Labcorp); PubMed 24854265 (cited by Labcorp Genetics (formerly Invitae), Labcorp); PubMed 26809805 (cited by Labcorp Genetics (formerly Invitae), Labcorp).